The following is an entry in ClinVar:

ClinVar aggregate classification (germline): Likely benign. Review status: criteria provided, multiple submitters, no conflicts (2 of 4 stars). 6 submissions from 6 submitters: Likely benign (5). 1 of the submissions does not count toward it. Last evaluated 2026-02-01.

Conditions:
VPS13B-related disorder. Also called: VPS13B-related condition.
Inborn genetic diseases. Identifiers: MedGen C0950123, MeSH D030342.
Cohen syndrome (COH1). Also called: Cutis verticis gyrata, retinitis pigmentosa, and sensorineural deafness; PEPPER SYNDROME. Identifiers: Orphanet 193, MedGen C0265223, MONDO:0008999, OMIM 216550.

Allele frequency attached by ClinVar (database versions not stated): gnomAD 0.00001; gnomAD exomes 0.00001.
gnomAD v4.1: 21 of 1,613,214 alleles (0.0013%); highest among the groups gnomAD compares: Middle Eastern, 0.067%; no homozygotes.

Submissions (6):

CeGaT Center for Human Genetics Tuebingen
Classification: Likely benign. Last evaluated: 2026-02-01. Review status: criteria provided, single submitter. Criteria: CeGaT Center For Human Genetics Tuebingen Variant Classification Criteria Version 2. Collection method: clinical testing. Allele origin: germline. Affected: yes. Observed: 2 variant alleles.
Comment: VPS13B: BP4, BP7

Labcorp Genetics (formerly Invitae), Labcorp
Classification: Likely benign for Cohen syndrome. Last evaluated: 2026-01-20. Review status: criteria provided, single submitter. Criteria: Invitae Variant Classification Sherloc (09022015). Collection method: clinical testing. Allele origin: germline.

PreventionGenetics, part of Exact Sciences
Classification: Likely benign for VPS13B-related condition. Last evaluated: 2025-02-28. Review status: criteria provided, single submitter. Criteria: ACMG Guidelines, 2015. Collection method: clinical testing. Allele origin: germline.
Comment: This variant is classified as likely benign based on ACMG/AMP sequence variant interpretation guidelines (Richards et al. 2015 PMID: 25741868, with internal and published modifications).

Blueprint Genetics
Classification: Likely benign. Last evaluated: 2024-02-22. Review status: criteria provided, single submitter. Criteria: ACMG Guidelines, 2015. Collection method: clinical testing. Allele origin: germline.

Ambry Genetics
Classification: Likely benign for Inborn genetic diseases. Last evaluated: 2018-06-12. Review status: criteria provided, single submitter. Criteria: Ambry Variant Classification Scheme 2023. Collection method: clinical testing. Allele origin: germline.

Natera, Inc.
Classification: Likely benign for Cohen syndrome. Last evaluated: 2020-04-15. Review status: no assertion criteria provided. Collection method: clinical testing. Allele origin: germline. Not counted in ClinVar's aggregate classification.

NM_152564.5(VPS13B):c.9448C>T (p.Leu3150=)

Gene: VPS13B (vacuolar protein sorting 13 homolog B; plus strand). Cytogenetic location: 8q22.2.
Variant type: single nucleotide variant.
Coding change: c.9448C>T on transcript NM_152564.5 (MANE Select); coding-DNA position 9448, C replaced by T.
Protein change: p.Leu3150=; no amino-acid change (leucine 3150 retained).
Molecular consequence: synonymous variant.
Genome position (GRCh38, 1-based): chr8:99,832,486, C>T. VCF-style: chr8-99832486-C-T. GRCh37 (hg19) VCF-style: chr8-100844714-C-T.
Other names: c.9448C>T (NM_152564.4); c.9523C>T, p.Leu3175= (NM_017890.5).
Identifiers: ClinVar variation 751899 (VCV000751899.39), dbSNP rs1383239374, ClinGen allele CA462457828.